The following is an entry in ClinVar:

ClinVar aggregate classification (germline): Uncertain significance. Review status: criteria provided, multiple submitters, no conflicts (2 of 4 stars). 3 submissions from 3 submitters: Uncertain significance (3). Last evaluated 2024-08-07.

Conditions:
MHC class I deficiency. Identifiers: Orphanet 34592, MedGen C6024714, MONDO:0011476.
Inborn genetic diseases. Identifiers: MedGen C0950123, MeSH D030342.

Allele frequency attached by ClinVar (database versions not stated): gnomAD exomes below 0.00001 and 0.00001; TOPMed below 0.00001.
gnomAD v4.1: 7 of 1,613,082 alleles (0.00043%); highest among the groups gnomAD compares: Admixed American, 0.0017%; no homozygotes.

Submissions (3):

Ambry Genetics
Classification: Uncertain significance for Inborn genetic diseases. Last evaluated: 2024-08-07. Review status: criteria provided, single submitter. Criteria: Ambry Variant Classification Scheme 2023. Collection method: clinical testing. Allele origin: germline.

Blueprint Genetics
Classification: Uncertain significance. Last evaluated: 2022-07-22. Review status: criteria provided, single submitter. Criteria: ACMG Guidelines, 2015. Collection method: clinical testing. Allele origin: germline.

Labcorp Genetics (formerly Invitae), Labcorp
Classification: Uncertain significance for MHC class I deficiency 1. Last evaluated: 2018-02-08. Review status: criteria provided, single submitter. Criteria: Invitae Variant Classification Sherloc (09022015). Collection method: clinical testing. Allele origin: germline.
Comment: This sequence change replaces glutamic acid with lysine at codon 243 of the TAP2 protein (p.Glu243Lys). The glutamic acid residue is moderately conserved and there is a small physicochemical difference between glutamic acid and lysine. This variant is not present in population databases (ExAC no frequency). This variant has not been reported in the literature in individuals with TAP2-related disease. Algorithms developed to predict the effect of missense changes on protein structure and function do not agree on the potential impact of this missense change (SIFT: "Deleterious"; PolyPhen-2: "Benign"; Align-GVGD: "Class C0"). In summary, the available evidence is currently insufficient to determine the role of this variant in disease. Therefore, it has been classified as a Variant of Uncertain Significance.

NM_001290043.2(TAP2):c.727G>A (p.Glu243Lys)

Genes: TAP2 (transporter 2, ATP binding cassette subfamily B member; minus strand), LOC107648851 (meiotic recombination hotspot TAP2; plus strand). Cytogenetic location: 6p21.32.
Variant type: single nucleotide variant.
Coding change: c.727G>A on transcript NM_001290043.2 (MANE Select); coding-DNA position 727, G replaced by A.
Protein change: p.Glu243Lys; replaces glutamic acid 243 with lysine.
Molecular consequence: missense variant.
Genome position (GRCh38, 1-based): chr6:32,835,655, C>T on the plus strand (G>A on the coding strand, the complement: TAP2 is on the minus strand). VCF-style: chr6-32835655-C-T. GRCh37 (hg19) VCF-style: chr6-32803432-C-T.
Other names: c.727G>A, p.Glu243Lys (NM_000544.3, NM_018833.3); short protein forms E243K.
Identifiers: ClinVar variation 575479 (VCV000575479.11), dbSNP rs1473544417, ClinGen allele CA363585027.
Genomic context (GRCh38, chr6:32,835,655, plus strand): 5'-GGGCAAGGGATGTCCATGGGAATCTCAGACCTGGACTCCAGGCCCCACCTGTCTTAGTCT[C>T]CTGGAAGAAACCGAGGTCCTGGCGCAGCAGGGAGGAGAAAAGCTGCTCCCGGATCCGCAA-3'
Protein context (NP_001276972.1, residues 233-253): LLRQDLGFFQ[Glu243Lys]TKTGELNSRL